The following is an entry in ClinVar:

ClinVar aggregate classification (germline): Uncertain significance (1 of 4 stars; one submission).

Submission:

ARUP Laboratories, Molecular Genetics and Genomics, ARUP Laboratories
Classification: Uncertain significance. Last evaluated: 2025-06-05. Review status: criteria provided, single submitter. Criteria: ARUP Molecular Germline Variant Investigation Process 2024. Collection method: clinical testing. Allele origin: germline.
Comment: The SPTB c.322A>C; p.Met108Leu variant, to our knowledge, is not reported in the medical literature or gene specific databases. This variant is also absent from the Genome Aggregation Database (v2.1.1), indicating it is not a common polymorphism. Computational analyses are uncertain whether this variant is neutral or deleterious (REVEL: 0.537). Due to limited information, the clinical significance of this variant is uncertain at this time.

NM_001355436.2(SPTB):c.322A>C (p.Met108Leu)

Gene: SPTB (spectrin beta, erythrocytic; minus strand). Cytogenetic location: 14q23.3.
Variant type: single nucleotide variant.
Coding change: c.322A>C on transcript NM_001355436.2 (MANE Select); coding-DNA position 322, A replaced by C.
Protein change: p.Met108Leu; replaces methionine 108 with leucine.
Molecular consequence: missense variant.
Genome position (GRCh38, 1-based): chr14:64,803,759, T>G on the plus strand (A>C on the coding strand, the complement: SPTB is on the minus strand). VCF-style: chr14-64803759-T-G. GRCh37 (hg19) VCF-style: chr14-65270477-T-G.
Other names: c.322A>C, p.Met108Leu (NM_001024858.4, NM_001355437.2); short protein forms M108L.
Identifiers: ClinVar variation 4685862 (VCV004685862.1).